The following is an entry in ClinVar:

NM_032242.4(PLXNA1):c.2685C>G (p.Asp895Glu)

Gene: PLXNA1 (plexin A1; plus strand). Cytogenetic location: 3q21.3.
Variant type: single nucleotide variant.
Coding change: c.2685C>G on transcript NM_032242.4 (MANE Select); coding-DNA position 2685, C replaced by G.
Protein change: p.Asp895Glu; replaces aspartic acid 895 with glutamic acid.
Molecular consequence: missense variant.
Genome position (GRCh38, 1-based): chr3:127,014,558, C>G. VCF-style: chr3-127014558-C-G. GRCh37 (hg19) VCF-style: chr3-126733401-C-G.
Other names: short protein forms D895E.
Identifiers: ClinVar variation 4996667 (VCV004996667.1).

ClinVar aggregate classification (germline): Uncertain significance (1 of 4 stars; one submission).

Conditions:
PLXNA1-related disorder. Also called: PLXNA1-related condition.

gnomAD v4.1: 1 of 1,612,374 alleles (0.000062%); highest among the groups gnomAD compares: African/African-American, 0.0013%; no homozygotes.

Submission:

PreventionGenetics, part of Exact Sciences
Classification: Uncertain significance for PLXNA1-related condition. Last evaluated: 2026-07-24. Review status: criteria provided, single submitter. Criteria: ACMG Guidelines, 2015. Collection method: clinical testing. Allele origin: germline.
Comment: The PLXNA1 c.2685C>G variant is predicted to result in the amino acid substitution p.Asp895Glu. To our knowledge, this variant has not been reported in the literature. This variant is reported in 0.0062% of alleles in individuals of African descent in gnomAD. At this time, the clinical significance of this variant is uncertain due to the absence of conclusive functional and genetic evidence.